The following is an entry in ClinVar:

ClinVar aggregate classification (germline): Uncertain significance (1 of 4 stars; one submission).

Conditions:
Muscular dystrophy-dystroglycanopathy (congenital with brain and eye anomalies), type a, 8 (MDDGA8). Also called: WALKER-WARBURG SYNDROME OR MUSCLE-EYE-BRAIN DISEASE, GTDC2-RELATED. Identifiers: Orphanet 899, MedGen C3553813, MONDO:0013904, OMIM 614830.

Submission:

Labcorp Genetics (formerly Invitae), Labcorp
Classification: Uncertain significance for Muscular dystrophy-dystroglycanopathy (congenital with brain and eye anomalies), type a, 8. Last evaluated: 2019-05-15. Review status: criteria provided, single submitter. Criteria: Invitae Variant Classification Sherloc (09022015). Collection method: clinical testing. Allele origin: germline.
Comment: This variant is not present in population databases (ExAC no frequency). This sequence change replaces aspartic acid with histidine at codon 151 of the POMGNT2 protein (p.Asp151His). The aspartic acid residue is highly conserved and there is a moderate physicochemical difference between aspartic acid and histidine. This variant has not been reported in the literature in individuals with POMGNT2-related conditions. Algorithms developed to predict the effect of missense changes on protein structure and function (SIFT, PolyPhen-2, Align-GVGD) all suggest that this variant is likely to be disruptive, but these predictions have not been confirmed by published functional studies and their clinical significance is uncertain. In summary, the available evidence is currently insufficient to determine the role of this variant in disease. Therefore, it has been classified as a Variant of Uncertain Significance.

NM_032806.6(POMGNT2):c.451G>C (p.Asp151His)

Gene: POMGNT2 (protein O-linked mannose N-acetylglucosaminyltransferase 2 (beta 1,4-); minus strand). Cytogenetic location: 3p22.1.
Variant type: single nucleotide variant.
Coding change: c.451G>C on transcript NM_032806.6 (MANE Select); coding-DNA position 451, G replaced by C.
Protein change: p.Asp151His; replaces aspartic acid 151 with histidine.
Molecular consequence: missense variant.
Genome position (GRCh38, 1-based): chr3:43,080,981, C>G on the plus strand (G>C on the coding strand, the complement: POMGNT2 is on the minus strand). VCF-style: chr3-43080981-C-G. GRCh37 (hg19) VCF-style: chr3-43122473-C-G.
Other names: short protein forms D151H.
Identifiers: ClinVar variation 945897 (VCV000945897.6), dbSNP rs2089848441, ClinGen allele CA352303207.